The following continues an entry in ClinVar:

NM_000243.3(MEFV):c.986G>A (p.Arg329His)

Gene: MEFV. ClinVar aggregate classification (germline): Conflicting classifications of pathogenicity. Uncertain significance (9); Likely benign (4).

Submissions 10 to 17 of 17:

Center for Personalized Medicine, Children's Hospital Los Angeles
Classification: Uncertain significance. Last evaluated: 2018-11-19. Review status: criteria provided, single submitter. Criteria: ACMG Guidelines, 2015. Collection method: clinical testing. Allele origin: germline. Affected: yes.

Eurofins Ntd Llc (ga)
Classification: Uncertain significance. Last evaluated: 2018-07-13. Review status: criteria provided, single submitter. Criteria: EGL ClinVar v180209 classification definitions. Collection method: clinical testing. Allele origin: germline. Observed: 2 variant alleles, 2 heterozygotes.

Illumina Laboratory Services, Illumina
Classification: Uncertain significance for Familial Mediterranean fever. Last evaluated: 2017-04-27. Review status: criteria provided, single submitter. Criteria: ICSL Variant Classification Criteria 13 December 2019. Collection method: clinical testing. Allele origin: germline.
Comment: This variant was observed as part of a predisposition screen in an ostensibly healthy population. A literature search was performed for the gene, cDNA change, and amino acid change (where applicable). Publications were found based on this search. However, the evidence from the literature, in combination with allele frequency data from public databases where available, was not sufficient to rule this variant in or out of causing disease. Therefore, this variant is classified as a variant of unknown significance.

Mayo Clinic Laboratories, Mayo Clinic
Classification: Uncertain significance for Familial Mediterranean fever. Last evaluated: 2016-10-28. Review status: criteria provided, single submitter. Criteria: ACMG Guidelines, 2015. Collection method: clinical testing. Allele origin: paternal.

Natera, Inc.
Classification: Uncertain significance for Familial Mediterranean fever. Last evaluated: 2020-05-04. Review status: no assertion criteria provided. Collection method: clinical testing. Allele origin: germline. Not counted in ClinVar's aggregate classification.

Clinical Genetics DNA and cytogenetics Diagnostics Lab, Erasmus MC, Erasmus Medical Center
Classification: Likely benign. Review status: no assertion criteria provided. Collection method: clinical testing. Allele origin: germline. Affected: yes. Study: VKGL Data-share Consensus. Not counted in ClinVar's aggregate classification.

Genome Diagnostics Laboratory, University Medical Center Utrecht
Classification: Likely benign. Review status: no assertion criteria provided. Collection method: clinical testing. Allele origin: germline. Affected: yes. Study: VKGL Data-share Consensus. Not counted in ClinVar's aggregate classification.

Unité médicale des maladies autoinflammatoires, CHRU Montpellier
No classification provided. Condition: Familial Mediterranean fever. Review status: no classification provided. Collection method: not provided. Allele origin: unknown. Not counted in ClinVar's aggregate classification.

Literature cited by the submitters: PubMed 20041150 (cited by 3 submitters); PubMed 22337722 (cited by Women's Health and Genetics/Laboratory Corporation of America, LabCorp); PubMed 22903357 (cited by 3 submitters); PubMed 23010357 (cited by Women's Health and Genetics/Laboratory Corporation of America, LabCorp); PubMed 23325590 (cited by Women's Health and Genetics/Laboratory Corporation of America, LabCorp); PubMed 23070486 (cited by Women's Health and Genetics/Laboratory Corporation of America, LabCorp); PubMed 24117178 (cited by Women's Health and Genetics/Laboratory Corporation of America, LabCorp); PubMed 26247045 (cited by Women's Health and Genetics/Laboratory Corporation of America, LabCorp); PubMed 25203624 (cited by Women's Health and Genetics/Laboratory Corporation of America, LabCorp); PubMed 23867542 (cited by Women's Health and Genetics/Laboratory Corporation of America, LabCorp); PubMed 26620106 (cited by Women's Health and Genetics/Laboratory Corporation of America, LabCorp and Eurofins Ntd Llc (ga)); PubMed 28421071 (cited by Women's Health and Genetics/Laboratory Corporation of America, LabCorp); PubMed 26554556 (cited by Women's Health and Genetics/Laboratory Corporation of America, LabCorp); PubMed 29178647 (cited by Women's Health and Genetics/Laboratory Corporation of America, LabCorp); PubMed 29260407 (cited by Women's Health and Genetics/Laboratory Corporation of America, LabCorp); PubMed 29599418 (cited by Women's Health and Genetics/Laboratory Corporation of America, LabCorp); PubMed 29927949 (cited by Women's Health and Genetics/Laboratory Corporation of America, LabCorp); PubMed 27838405 (cited by Women's Health and Genetics/Laboratory Corporation of America, LabCorp); PubMed 31411330 (cited by Women's Health and Genetics/Laboratory Corporation of America, LabCorp); PubMed 16498449 (cited by Illumina Laboratory Services, Illumina).